The following is an entry in ClinVar:

NM_002474.3(MYH11):c.4693C>G (p.Leu1565Val)

Genes: MYH11 (myosin heavy chain 11; minus strand), NDE1 (nudE neurodevelopment protein 1; plus strand). Cytogenetic location: 16p13.11.
Variant type: single nucleotide variant.
Coding change: c.4693C>G on transcript NM_002474.3 (MANE Select); coding-DNA position 4693, C replaced by G.
Protein change: p.Leu1565Val; replaces leucine 1565 with valine.
Molecular consequence: missense variant. On other transcripts: intron variant (2).
Genome position (GRCh38, 1-based): chr16:15,720,937, G>C on the plus strand (C>G on the coding strand, the complement: MYH11 is on the minus strand). VCF-style: chr16-15720937-G-C. GRCh37 (hg19) VCF-style: chr16-15814794-G-C.
Other names: c.4714C>G, p.Leu1572Val (NM_001040113.2, NM_001040114.2); c.4693C>G, p.Leu1565Val (NM_022844.3); c.948-3254G>C (NM_001143979.2, NM_017668.3); short protein forms L1565V, L1572V.
Identifiers: ClinVar variation 3894120 (VCV003894120.1).

ClinVar aggregate classification (germline): Uncertain significance (1 of 4 stars; one submission).

Conditions:
Familial thoracic aortic aneurysm and aortic dissection (TAAD). Also called: Thoracic aortic aneurysms and dissections. Identifiers: Orphanet 91387, MedGen C4707243, MONDO:0019625.

Submission:

Color Diagnostics, LLC DBA Color Health
Classification: Uncertain significance for Familial thoracic aortic aneurysm and aortic dissection. Last evaluated: 2024-10-07. Review status: criteria provided, single submitter. Criteria: ACMG Guidelines, 2015. Collection method: clinical testing. Allele origin: germline.
Comment: This missense variant replaces leucine with valine at codon 1572 of the MYH11 protein. Computational prediction is inconclusive regarding the impact of this variant on protein structure and function (internally defined REVEL score threshold 0.5 < inconclusive < 0.7, PMID: 27666373). To our knowledge, functional studies have not been reported for this variant. This variant has not been reported in individuals affected with MYH11-related disorders in the literature. This variant has not been identified in the general population by the Genome Aggregation Database (gnomAD). The available evidence is insufficient to determine the role of this variant in disease conclusively. Therefore, this variant is classified as a Variant of Uncertain Significance.